The following is an entry in ClinVar:

ClinVar aggregate classification (germline): Benign/Likely benign. Review status: criteria provided, multiple submitters, no conflicts (2 of 4 stars). 3 submissions from 3 submitters: Benign (1); Likely benign (1). 1 of the submissions does not count toward it. Last evaluated 2024-10-10.

Conditions:
Dystonic disorder. Also called: Dystonia. Identifiers: MedGen C0013421, MONDO:0003441, HP:0001332.
CIZ1-related disorder. Also called: CIZ1-related condition.

Allele frequency attached by ClinVar (database versions not stated): gnomAD 0.00008 and 0.00016; TOPMed 0.00018; gnomAD exomes 0.00027 and 0.00042; ExAC 0.00036; 1000 Genomes Project 0.00120; 1000 Genomes Project 30x 0.00125.
gnomAD v4.1: 400 of 1,582,308 alleles (0.025%); highest among the groups gnomAD compares: East Asian, 0.88%; 1 homozygote.

Submissions (3):

Blueprint Genetics
Classification: Likely benign. Last evaluated: 2024-10-10. Review status: criteria provided, single submitter. Criteria: ACMG Guidelines, 2015. Collection method: clinical testing. Allele origin: germline.

Labcorp Genetics (formerly Invitae), Labcorp
Classification: Benign for Dystonic disorder. Last evaluated: 2023-10-03. Review status: criteria provided, single submitter. Criteria: Invitae Variant Classification Sherloc (09022015). Collection method: clinical testing. Allele origin: germline.

PreventionGenetics, part of Exact Sciences
Classification: Likely benign for CIZ1-related condition. Last evaluated: 2020-02-17. Review status: no assertion criteria provided. Collection method: clinical testing. Allele origin: germline. Not counted in ClinVar's aggregate classification.
Comment: This variant is classified as likely benign based on ACMG/AMP sequence variant interpretation guidelines (Richards et al. 2015 PMID: 25741868, with internal and published modifications).

NM_001131016.2(CIZ1):c.795A>C (p.Ser265=)

Gene: CIZ1 (CDKN1A interacting zinc finger protein 1; minus strand). Cytogenetic location: 9q34.11.
Variant type: single nucleotide variant.
Coding change: c.795A>C on transcript NM_001131016.2 (MANE Select); coding-DNA position 795, A replaced by C.
Protein change: p.Ser265=; no amino-acid change (serine 265 retained).
Molecular consequence: synonymous variant.
Genome position (GRCh38, 1-based): chr9:128,179,412, T>G on the plus strand (A>C on the coding strand, the complement: CIZ1 is on the minus strand). VCF-style: chr9-128179412-T-G. GRCh37 (hg19) VCF-style: chr9-130941691-T-G.
Other names: c.795A>C, p.Ser265= (NM_001131015.2, NM_012127.3); c.780A>C, p.Ser260= (NM_001131017.2); c.723A>C, p.Ser241= (NM_001131018.2); c.885A>C, p.Ser295= (NM_001257975.2); c.492A>C, p.Ser164= (NM_001257976.2); c.795A>C (NM_012127.2).
Identifiers: ClinVar variation 1595571 (VCV001595571.11), dbSNP rs184547222, ClinGen allele CA5257432.
Genomic context (GRCh38, chr9:128,179,412, plus strand): 5'-GGCCTGCGGCTGGGCCTTCACCTGTAACTGCCCTGGAGGTTCCTTCTCTGTGGGCTCTTC[T>G]GAGCTAGGAAGGATCAAAAAAAAATCCCAGTCATGTCTTCAAAGAGGCCCCAGGGGCTCC-3'
Protein context (NP_001124488.1, residues 255-275): SELPAKRLRS[Ser265=]EEPTEKEPPG